The following is an entry in ClinVar:

ClinVar aggregate classification (germline): Likely benign (1 of 4 stars; one submission).

Submission:

GeneDx
Classification: Likely benign. Last evaluated: 2023-03-26. Review status: criteria provided, single submitter. Criteria: GeneDx Variant Classification Process June 2021. Collection method: clinical testing. Allele origin: germline. Affected: yes.
Comment: See Variant Classification Assertion Criteria.

NM_005032.7(PLS3):c.727A>G (p.Ile243Val)

Gene: PLS3 (plastin 3; plus strand). Cytogenetic location: Xq23.
Variant type: single nucleotide variant.
Coding change: c.727A>G on transcript NM_005032.7 (MANE Select); coding-DNA position 727, A replaced by G.
Protein change: p.Ile243Val; replaces isoleucine 243 with valine.
Molecular consequence: missense variant.
Genome position (GRCh38, 1-based): chrX:115,635,025, A>G. VCF-style: chrX-115635025-A-G. GRCh37 (hg19) VCF-style: chrX-114869337-A-G.
Other names: c.646A>G, p.Ile216Val (NM_001172335.3); c.661A>G, p.Ile221Val (NM_001282337.2); c.592A>G, p.Ile198Val (NM_001282338.2); c.727A>G, p.Ile243Val (NM_001136025.5); short protein forms I198V, I216V, I221V, I243V.
Identifiers: ClinVar variation 1183603 (VCV001183603.3), dbSNP rs2147552069, ClinGen allele CA414334189.